The following is an entry in ClinVar:

ClinVar aggregate classification (germline): Uncertain significance (1 of 4 stars; one submission).

Conditions:
Fanconi anemia (FA). Also called: Fanconi's anemia. Identifiers: Orphanet 84, MedGen C0015625, MeSH D005199, MONDO:0019391.

gnomAD v4.1: 25 of 1,614,066 alleles (0.0015%); highest among the groups gnomAD compares: Non-Finnish European, 0.0021%; no homozygotes.

Submission:

Labcorp Genetics (formerly Invitae), Labcorp
Classification: Uncertain significance for Fanconi anemia. Last evaluated: 2025-08-13. Review status: criteria provided, single submitter. Criteria: Invitae Variant Classification Sherloc (09022015). Collection method: clinical testing. Allele origin: germline.
Comment: This sequence change replaces serine, which is neutral and polar, with threonine, which is neutral and polar, at codon 199 of the SLX4 protein (p.Ser199Thr). This variant is not present in population databases (gnomAD no frequency). This variant has not been reported in the literature in individuals affected with SLX4-related conditions. An algorithm developed to predict the effect of missense changes on protein structure and function (PolyPhen-2) suggests that this variant is likely to be disruptive. In summary, the available evidence is currently insufficient to determine the role of this variant in disease. Therefore, it has been classified as a Variant of Uncertain Significance.

NM_032444.4(SLX4):c.596G>C (p.Ser199Thr)

Gene: SLX4 (SLX4 structure-specific endonuclease subunit; minus strand). Cytogenetic location: 16p13.3.
Variant type: single nucleotide variant.
Coding change: c.596G>C on transcript NM_032444.4 (MANE Select); coding-DNA position 596, G replaced by C.
Protein change: p.Ser199Thr; replaces serine 199 with threonine.
Molecular consequence: missense variant.
Genome position (GRCh38, 1-based): chr16:3,606,638, C>G on the plus strand (G>C on the coding strand, the complement: SLX4 is on the minus strand). VCF-style: chr16-3606638-C-G. GRCh37 (hg19) VCF-style: chr16-3656639-C-G.
Other names: short protein forms S199T.
Identifiers: ClinVar variation 4772312 (VCV004772312.1).